The following is an entry in ClinVar:

NM_005629.4(SLC6A8):c.148C>T (p.Pro50Ser)

Gene: SLC6A8 (solute carrier family 6 member 8; plus strand). Cytogenetic location: Xq28.
Variant type: single nucleotide variant.
Coding change: c.148C>T on transcript NM_005629.4 (MANE Select); coding-DNA position 148, C replaced by T.
Protein change: p.Pro50Ser; replaces proline 50 with serine.
Molecular consequence: missense variant.
Genome position (GRCh38, 1-based): chrX:153,688,722, C>T. VCF-style: chrX-153688722-C-T. GRCh37 (hg19) VCF-style: chrX-152954177-C-T.
Other names: c.148C>T, p.Pro50Ser (NM_001142805.2); short protein forms P50S.
Identifiers: ClinVar variation 1385998 (VCV001385998.6), dbSNP rs2148358552, ClinGen allele CA415076512.
Genomic context (GRCh38, chrX:153,688,722, plus strand): 5'-GCCCCGGCCAAGGGCGACGGCCCCGTGGGCCTGGGGACACCCGGCGGCCGCCTGGCCGTG[C>T]CGCCGCGCGAGACCTGGACGCGCCAGATGGACTTCATCATGTCGTGCGTGGGCTTCGCCG-3'
Protein context (NP_005620.1, residues 40-60): LGTPGGRLAV[Pro50Ser]PRETWTRQMD

ClinVar aggregate classification (germline): Uncertain significance (1 of 4 stars; one submission).

Conditions:
Creatine transporter deficiency (CCDS1). Also called: Mental retardation , X-linked with seizures, short stature and midface hypoplasia; Mental retardation , X-linked, with creatine transport deficiency; X-linked creatine transporter deficiency; X-linked creatine deficiency syndrome; SLC6A8-Related Creatine Transporter Deficiency; Creatine Transporter (CRTR) Deficiency. Identifiers: Orphanet 52503, MedGen C1845862, MONDO:0010305, OMIM 300352.

gnomAD v4.1: 1 of 1,133,234 alleles (0.000088%); highest among the groups gnomAD compares: Non-Finnish European, 0.00012%; no homozygotes.

Submission:

Labcorp Genetics (formerly Invitae), Labcorp
Classification: Uncertain significance for Creatine transporter deficiency. Last evaluated: 2022-08-23. Review status: criteria provided, single submitter. Criteria: Invitae Variant Classification Sherloc (09022015). Collection method: clinical testing. Allele origin: germline.
Comment: In summary, the available evidence is currently insufficient to determine the role of this variant in disease. Therefore, it has been classified as a Variant of Uncertain Significance. Advanced modeling of protein sequence and biophysical properties (such as structural, functional, and spatial information, amino acid conservation, physicochemical variation, residue mobility, and thermodynamic stability) performed at Invitae indicates that this missense variant is not expected to disrupt SLC6A8 protein function. ClinVar contains an entry for this variant (Variation ID: 1385998). This variant has not been reported in the literature in individuals affected with SLC6A8-related conditions. This variant is not present in population databases (gnomAD no frequency). This sequence change replaces proline, which is neutral and non-polar, with serine, which is neutral and polar, at codon 50 of the SLC6A8 protein (p.Pro50Ser).